The following is an entry in ClinVar:

NM_170606.3(KMT2C):c.11739T>G (p.Cys3913Trp)

Gene: KMT2C (lysine methyltransferase 2C; minus strand). Cytogenetic location: 7q36.1.
Variant type: single nucleotide variant.
Coding change: c.11739T>G on transcript NM_170606.3 (MANE Select); coding-DNA position 11739, T replaced by G.
Protein change: p.Cys3913Trp; replaces cysteine 3913 with tryptophan.
Molecular consequence: missense variant.
Genome position (GRCh38, 1-based): chr7:152,156,278, A>C on the plus strand (T>G on the coding strand, the complement: KMT2C is on the minus strand). VCF-style: chr7-152156278-A-C. GRCh37 (hg19) VCF-style: chr7-151853363-A-C.
Other names: short protein forms C3913W.
Identifiers: ClinVar variation 4527700 (VCV004527700.1).

ClinVar aggregate classification (germline): Uncertain significance (1 of 4 stars; one submission).

Submission:

GeneDx
Classification: Uncertain significance. Last evaluated: 2025-04-28. Review status: criteria provided, single submitter. Criteria: GeneDx Variant Classification Process June 2021. Collection method: clinical testing. Allele origin: germline. Affected: yes.
Comment: Not observed at significant frequency in large population cohorts (gnomAD); In silico analysis supports that this missense variant has a deleterious effect on protein structure/function; Has not been previously published as pathogenic or benign to our knowledge